The following is an entry in ClinVar:

ClinVar aggregate classification (germline): Benign/Likely benign. Review status: criteria provided, multiple submitters, no conflicts (2 of 4 stars). 12 submissions from 12 submitters: Benign (1); Likely benign (10). 1 of the submissions does not count toward it. Last evaluated 2025-12-17.

Conditions:
Cardiovascular phenotype. Identifiers: MedGen CN230736.
MYBPC3-related disorder. Also called: MYBPC3-related disorders; MYBPC3-related condition; MYBPC3-related disease.
Cardiomyopathy (CMYO). Also called: Cardiomyopathies. Identifiers: Orphanet 167848, MedGen C0878544, MONDO:0004994, HP:0001638. Inheritance: Various modes of inheritance.
Hypertrophic cardiomyopathy 4. Also called: Familial hypertrophic cardiomyopathy 4. Identifiers: MedGen C1861862, MONDO:0007268, OMIM 115197.
Hypertrophic cardiomyopathy. Also called: HYPERTROPHIC MYOCARDIOPATHY. Identifiers: Orphanet 217569, MedGen C0007194, MeSH D002312, MONDO:0005045, HP:0001639.

Allele frequency attached by ClinVar (database versions not stated): 1000 Genomes Project 30x 0.00016; TOPMed 0.00016; gnomAD 0.00019; 1000 Genomes Project 0.00020; ESP Exome Variant Server 0.00024.
gnomAD v4.1: 105 of 1,588,842 alleles (0.0066%); highest among the groups gnomAD compares: African/African-American, 0.048%; no homozygotes.

Submissions (12):

Labcorp Genetics (formerly Invitae), Labcorp
Classification: Likely benign for Hypertrophic cardiomyopathy. Last evaluated: 2025-12-17. Review status: criteria provided, single submitter. Criteria: Invitae Variant Classification Sherloc (09022015). Collection method: clinical testing. Allele origin: germline.

PreventionGenetics, part of Exact Sciences
Classification: Likely benign for MYBPC3-related condition. Last evaluated: 2025-10-28. Review status: criteria provided, single submitter. Criteria: ACMG Guidelines, 2015. Collection method: clinical testing. Allele origin: germline.
Comment: This variant is classified as likely benign based on ACMG/AMP sequence variant interpretation guidelines (Richards et al. 2015 PMID: 25741868, with internal and published modifications).

Women's Health and Genetics/Laboratory Corporation of America, LabCorp
Classification: Likely benign. Last evaluated: 2024-10-20. Review status: criteria provided, single submitter. Criteria: LabCorp Variant Classification Summary - May 2015. Collection method: clinical testing. Allele origin: germline.

All of Us Research Program, National Institutes of Health
Classification: Likely benign for Hypertrophic cardiomyopathy. Last evaluated: 2023-12-18. Review status: criteria provided, single submitter. Criteria: ACMG Guidelines, 2015. Collection method: clinical testing. Allele origin: germline. Inheritance: Autosomal dominant inheritance. Observed: 12 variant alleles, 12 heterozygotes.
Comment: This study involves interpretation of variants in research participants for the purpose of population health screening. Participant phenotype was not available at the time of variant classification. Additional details can be found in publication PMID: 35346344, PMCID: PMC8962531

Blueprint Genetics
Classification: Likely benign. Last evaluated: 2021-11-09. Review status: criteria provided, single submitter. Criteria: ACMG Guidelines, 2015. Collection method: clinical testing. Allele origin: germline.

Color Diagnostics, LLC DBA Color Health
Classification: Likely benign for Cardiomyopathy. Last evaluated: 2018-10-16. Review status: criteria provided, single submitter. Criteria: ACMG Guidelines, 2015. Collection method: clinical testing. Allele origin: germline.

ARUP Laboratories, Molecular Genetics and Genomics, ARUP Laboratories
Classification: Likely benign. Last evaluated: 2018-06-20. Review status: criteria provided, single submitter. Criteria: ARUP Molecular Germline Variant Investigation Process. Collection method: clinical testing. Allele origin: germline.
Comment: The p.Thr1095Thr variant (rs367927327) does not alter the amino acid sequence of the MYBPC3 protein and computational splice site prediction algorithms do not predict a change in the nearest splice site or creation of a cryptic splice site. This variant has not been reported in association with cardiomyopathy in medical literature or in gene specific variation databases. This variant is listed in the Genome Aggregation Database (gnomAD) with an overall population frequency of 0.01 percent (identified on 24 out of 234,546 chromosomes) and has been reported to the ClinVar database (Variation ID: 138319). Based on these observations, the p.Thr1095Thr variant is likely to be benign.

Clinical Genetics DNA and cytogenetics Diagnostics Lab, Erasmus MC, Erasmus Medical Center
Classification: Likely benign for Hypertrophic cardiomyopathy 4. Last evaluated: 2017-06-28. Review status: criteria provided, single submitter. Criteria: ACGS Guidelines, 2013. Collection method: clinical testing. Allele origin: germline. Affected: yes. Study: VKGL Data-share Consensus.

Ambry Genetics
Classification: Likely benign for Cardiovascular phenotype. Last evaluated: 2016-07-19. Review status: criteria provided, single submitter. Criteria: Ambry Variant Classification Scheme 2023. Collection method: clinical testing. Allele origin: germline.

GeneDx
Classification: Benign. Last evaluated: 2013-08-15. Review status: criteria provided, single submitter. Criteria: GeneDx Variant Classification (06012015). Collection method: clinical testing. Allele origin: germline. Affected: yes.
Comment: This variant is considered likely benign or benign based on one or more of the following criteria: it is a conservative change, it occurs at a poorly conserved position in the protein, it is predicted to be benign by multiple in silico algorithms, and/or has population frequency not consistent with disease.

Laboratory for Molecular Medicine, Mass General Brigham Personalized Medicine
Classification: Likely benign. Last evaluated: 2010-11-12. Review status: criteria provided, single submitter. Criteria: LMM Criteria. Collection method: clinical testing. Allele origin: germline. Observed: 1 variant allele.
Comment: proposed classification - variant undergoing re-assessment, contact laboratory

Clinical Genetics, Academic Medical Center
Classification: Benign. Review status: no assertion criteria provided. Collection method: clinical testing. Allele origin: germline. Affected: yes. Study: VKGL Data-share Consensus. Not counted in ClinVar's aggregate classification.

NM_000256.3(MYBPC3):c.3285G>A (p.Thr1095=)

Gene: MYBPC3 (myosin binding protein C3; minus strand). Cytogenetic location: 11p11.2.
Variant type: single nucleotide variant.
Coding change: c.3285G>A on transcript NM_000256.3 (MANE Select); coding-DNA position 3285, G replaced by A.
Protein change: p.Thr1095=; no amino-acid change (threonine 1095 retained).
Molecular consequence: synonymous variant.
Genome position (GRCh38, 1-based): chr11:47,333,239, C>T on the plus strand (G>A on the coding strand, the complement: MYBPC3 is on the minus strand). VCF-style: chr11-47333239-C-T. GRCh37 (hg19) VCF-style: chr11-47354790-C-T.
Other names: p.T1095T:ACG>ACA.
Identifiers: ClinVar variation 138319 (VCV000138319.34), dbSNP rs367927327, ClinGen allele CA013778.
Genomic context (GRCh38, chr11:47,333,239, plus strand): 5'-AGACCCTGGGCTCACCATGGTCTTCTTGTCGGCTTTCTGCACTGTGTACCCCCAGAGCTC[C>T]GTGTTGCCGACATCCTGGGGTGGCTTCCACTCCAGAGCCACATTAAGACCCCAGGCGTCA-3'
Protein context (NP_000247.2, residues 1085-1105): EWKPPQDVGN[Thr1095=]ELWGYTVQKA